The following is an entry in ClinVar:

NM_024665.7(TBL1XR1):c.859G>C (p.Asp287His)

Genes: TBL1XR1 (TBL1X/Y related 1; minus strand), TBL1XR1-AS1 (TBL1XR1 antisense RNA 1; plus strand). Cytogenetic location: 3q26.32.
Variant type: single nucleotide variant.
Coding change: c.859G>C on transcript NM_024665.7 (MANE Select); coding-DNA position 859, G replaced by C.
Protein change: p.Asp287His; replaces aspartic acid 287 with histidine.
Molecular consequence: missense variant.
Genome position (GRCh38, 1-based): chr3:177,047,305, C>G on the plus strand (G>C on the coding strand, the complement: TBL1XR1 is on the minus strand). VCF-style: chr3-177047305-C-G. GRCh37 (hg19) VCF-style: chr3-176765093-C-G.
Other names: c.859G>C, p.Asp287His (NM_001321193.3, NM_001321194.3, NM_001374327.1 and 2 more transcripts); c.598G>C, p.Asp200His (NM_001321195.3, NM_001374330.1); short protein forms D200H, D287H.
Identifiers: ClinVar variation 3635803 (VCV003635803.2).

ClinVar aggregate classification (germline): Uncertain significance (1 of 4 stars; one submission).

Conditions:
Pierpont syndrome (PRPTS). Identifiers: Orphanet 487825, MedGen C1865644, MONDO:0011213, OMIM 602342.

Submission:

Labcorp Genetics (formerly Invitae), Labcorp
Classification: Uncertain significance for Pierpont syndrome. Last evaluated: 2024-04-16. Review status: criteria provided, single submitter. Criteria: Invitae Variant Classification Sherloc (09022015). Collection method: clinical testing. Allele origin: germline.
Comment: This sequence change replaces aspartic acid, which is acidic and polar, with histidine, which is basic and polar, at codon 287 of the TBL1XR1 protein (p.Asp287His). This variant is not present in population databases (gnomAD no frequency). This variant has not been reported in the literature in individuals affected with TBL1XR1-related conditions. Advanced modeling of protein sequence and biophysical properties (such as structural, functional, and spatial information, amino acid conservation, physicochemical variation, residue mobility, and thermodynamic stability) performed at Invitae indicates that this missense variant is expected to disrupt TBL1XR1 protein function with a positive predictive value of 95%. In summary, the available evidence is currently insufficient to determine the role of this variant in disease. Therefore, it has been classified as a Variant of Uncertain Significance.